The following is an entry in ClinVar:

ClinVar aggregate classification (germline): Uncertain significance (1 of 4 stars; one submission).

Allele frequency attached by ClinVar (database versions not stated): ExAC 0.00001; gnomAD exomes 0.00001 and 0.00002; TOPMed 0.00001.
gnomAD v4.1: 10 of 1,613,632 alleles (0.00062%); highest among the groups gnomAD compares: Admixed American, 0.0033%; no homozygotes.

Submission:

Labcorp Genetics (formerly Invitae), Labcorp
Classification: Uncertain significance. Last evaluated: 2022-07-18. Review status: criteria provided, single submitter. Criteria: Invitae Variant Classification Sherloc (09022015). Collection method: clinical testing. Allele origin: germline.
Comment: This sequence change replaces histidine, which is basic and polar, with tyrosine, which is neutral and polar, at codon 104 of the IMPG2 protein (p.His104Tyr). This variant is present in population databases (rs756636951, gnomAD 0.006%). This variant has not been reported in the literature in individuals affected with IMPG2-related conditions. ClinVar contains an entry for this variant (Variation ID: 1010613). Algorithms developed to predict the effect of missense changes on protein structure and function (SIFT, PolyPhen-2, Align-GVGD) all suggest that this variant is likely to be disruptive. In summary, the available evidence is currently insufficient to determine the role of this variant in disease. Therefore, it has been classified as a Variant of Uncertain Significance.

NM_016247.4(IMPG2):c.310C>T (p.His104Tyr)

Gene: IMPG2 (interphotoreceptor matrix proteoglycan 2; minus strand). Cytogenetic location: 3q12.3.
Variant type: single nucleotide variant.
Coding change: c.310C>T on transcript NM_016247.4 (MANE Select); coding-DNA position 310, C replaced by T.
Protein change: p.His104Tyr; replaces histidine 104 with tyrosine.
Molecular consequence: missense variant.
Genome position (GRCh38, 1-based): chr3:101,319,608, G>A on the plus strand (C>T on the coding strand, the complement: IMPG2 is on the minus strand). VCF-style: chr3-101319608-G-A. GRCh37 (hg19) VCF-style: chr3-101038452-G-A.
Other names: short protein forms H104Y.
Identifiers: ClinVar variation 1010613 (VCV001010613.6), dbSNP rs756636951, ClinGen allele CA2519518.